The following is an entry in ClinVar:

NM_015272.5(RPGRIP1L):c.2153-8A>G

Gene: RPGRIP1L (RPGRIP1 like; minus strand). Cytogenetic location: 16q12.2.
Variant type: single nucleotide variant.
Coding change: c.2153-8A>G on transcript NM_015272.5 (MANE Select); 8 bases into the intron before coding-DNA position 2153, A replaced by G.
Molecular consequence: intron variant.
Genome position (GRCh38, 1-based): chr16:53,649,123, T>C on the plus strand (A>G on the coding strand, the complement: RPGRIP1L is on the minus strand). VCF-style: chr16-53649123-T-C. GRCh37 (hg19) VCF-style: chr16-53683035-T-C.
Other names: c.2153-8A>G (NM_001127897.4, NM_001330538.2, NM_001308334.3).
Identifiers: ClinVar variation 3044361 (VCV003044361.2), dbSNP rs2544155969, ClinGen allele CA2740093362.

ClinVar aggregate classification (germline): Likely benign (0 of 4 stars; one submission).

Conditions:
RPGRIP1L-related disorder. Also called: RPGRIP1L-related disorders; RPGRIP1L-related condition. Identifiers: MedGen CN239416.

Submission:

PreventionGenetics, part of Exact Sciences
Classification: Likely benign for RPGRIP1L-related condition. Last evaluated: 2023-12-18. Review status: no assertion criteria provided. Collection method: clinical testing. Allele origin: germline.
Comment: This variant is classified as likely benign based on ACMG/AMP sequence variant interpretation guidelines (Richards et al. 2015 PMID: 25741868, with internal and published modifications).